The following is an entry in ClinVar:

ClinVar aggregate classification (germline): Pathogenic/Likely pathogenic. Review status: criteria provided, multiple submitters, no conflicts (2 of 4 stars). 3 submissions from 3 submitters: Pathogenic (2); Likely pathogenic (1). Last evaluated 2024-03-28.

Conditions:
Arthrogryposis multiplex congenita 6. Identifiers: MedGen C5543431, MONDO:0030281, OMIM 619334.
Nemaline myopathy 2 (NEM2). Also called: Nemaline myopathy 2, autosomal recessive. Identifiers: MedGen C1850569, MONDO:0009725, OMIM 256030.

Submissions (3):

Baylor Genetics
Classification: Likely pathogenic for Arthrogryposis multiplex congenita 6. Last evaluated: 2024-03-28. Review status: criteria provided, single submitter. Criteria: ACMG Guidelines, 2015. Collection method: clinical testing. Allele origin: unknown.

Labcorp Genetics (formerly Invitae), Labcorp
Classification: Pathogenic for Nemaline myopathy 2. Last evaluated: 2024-02-25. Review status: criteria provided, single submitter. Criteria: Invitae Variant Classification Sherloc (09022015). Collection method: clinical testing. Allele origin: germline.
Comment: This sequence change creates a premature translational stop signal (p.Asp258Ilefs*5) in the NEB gene. It is expected to result in an absent or disrupted protein product. Loss-of-function variants in NEB are known to be pathogenic (PMID: 25205138). This variant is not present in population databases (gnomAD no frequency). This variant has not been reported in the literature in individuals affected with NEB-related conditions. For these reasons, this variant has been classified as Pathogenic.

Myriad Genetics, Inc.
Classification: Pathogenic for Nemaline myopathy 2. Last evaluated: 2023-09-28. Review status: criteria provided, single submitter. Criteria: Myriad Autosomal Dominant, Autosomal Recessive and X-Linked Classification Criteria (2023). Collection method: clinical testing. Allele origin: unknown.
Comment: NM_001271208.1(NEB):c.771delT(D258Ifs*5) is expected to be pathogenic in the context of NEB-related nemaline myopathy. This variant is predicted to lead to an abnormal or absent protein product due to the creation of a premature termination codon in NEB, a gene where loss-of-function variants are known to be pathogenic. Please note: this variant was assessed in the context of healthy population screening.

Literature cited by the submitters: PubMed 25205138 (cited by Labcorp Genetics (formerly Invitae), Labcorp).

NM_001164508.2(NEB):c.771del (p.Asp258fs)

Gene: NEB (nebulin; minus strand). Cytogenetic location: 2q23.3.
Variant type: Deletion.
Coding change: c.771del on transcript NM_001164508.2 (MANE Select); coding-DNA position 771, one base deleted (T; older notation c.771delT).
Protein change: p.Asp258fs; shifts the reading frame from aspartic acid 258.
Molecular consequence: frameshift variant.
Genome position (GRCh38, 1-based): chr2:151,717,467, A deleted on the plus strand (T on the coding strand, the reverse complement: NEB is on the minus strand). VCF-style (leftmost placement, unchanged base first): chr2-151717466-CA-C. GRCh37 (hg19) VCF-style: chr2-152573980-CA-C.
Other names: c.771del (NM_001271208.1); c.771del, p.Asp258fs (NM_001164507.2, NM_001271208.2, NM_004543.5); c.771delT, p.Asp258Ilefs (NM_001271208.1); short protein forms D258fs.
Identifiers: ClinVar variation 2677044 (VCV002677044.5), dbSNP rs2552278463, ClinGen allele CA2695197061.